The following is an entry in ClinVar:

ClinVar aggregate classification (germline): Conflicting classifications of pathogenicity. Review status: criteria provided, conflicting classifications (1 of 4 stars). 2 submissions from 2 submitters: Uncertain significance (1); Likely benign (1). Last evaluated 2025-08-01.

Allele frequency attached by ClinVar (database versions not stated): gnomAD exomes 0.00020 and 0.00016; ExAC 0.00027; 1000 Genomes Project 30x 0.00031; 1000 Genomes Project 0.00040; TOPMed 0.00001; gnomAD 0.00002 and 0.00007; ESP Exome Variant Server 0.00008.
gnomAD v4.1: 247 of 1,613,330 alleles (0.015%); highest among the groups gnomAD compares: South Asian, 0.13%; 1 homozygote.

Submissions (2):

CeGaT Center for Human Genetics Tuebingen
Classification: Likely benign. Last evaluated: 2025-08-01. Review status: criteria provided, single submitter. Criteria: CeGaT Center For Human Genetics Tuebingen Variant Classification Criteria Version 2. Collection method: clinical testing. Allele origin: germline. Affected: yes. Observed: 1 variant allele.
Comment: KNL1: BP4, BP7

Genetic Services Laboratory, University of Chicago
Classification: Uncertain significance. Last evaluated: 2015-01-13. Review status: criteria provided, single submitter. Criteria: ACMG Guidelines, 2015. Collection method: clinical testing. Allele origin: germline.

NM_144508.5(KNL1):c.3633C>T (p.Ile1211=)

Gene: KNL1 (kinetochore scaffold 1; plus strand). Cytogenetic location: 15q15.1.
Variant type: single nucleotide variant.
Coding change: c.3633C>T on transcript NM_144508.5 (MANE Select); coding-DNA position 3633, C replaced by T.
Protein change: p.Ile1211=; no amino-acid change (isoleucine 1211 retained).
Molecular consequence: synonymous variant.
Genome position (GRCh38, 1-based): chr15:40,623,897, C>T. VCF-style: chr15-40623897-C-T. GRCh37 (hg19) VCF-style: chr15-40916095-C-T.
Other names: c.3711C>T, p.Ile1237= (NM_170589.5).
Identifiers: ClinVar variation 210569 (VCV000210569.14), dbSNP rs374543266, ClinGen allele CA205951.